The following is an entry in ClinVar:

ClinVar aggregate classification (germline): Likely benign. Review status: criteria provided, multiple submitters, no conflicts (2 of 4 stars). 2 submissions from 2 submitters: Likely benign (2). Last evaluated 2025-02-02.

Conditions:
Long QT syndrome (LQTS). Identifiers: MedGen C0023976, MeSH D008133, MONDO:0002442. Disease mechanism: loss of function. Inheritance: Various modes of inheritance.

Allele frequency attached by ClinVar (database versions not stated): TOPMed below 0.00001; ExAC 0.00002; gnomAD exomes 0.00001.

Submissions (2):

Labcorp Genetics (formerly Invitae), Labcorp
Classification: Likely benign for Long QT syndrome. Last evaluated: 2025-02-02. Review status: criteria provided, single submitter. Criteria: Invitae Variant Classification Sherloc (09022015). Collection method: clinical testing. Allele origin: germline.

All of Us Research Program, National Institutes of Health
Classification: Likely benign for Long QT syndrome. Last evaluated: 2023-12-13. Review status: criteria provided, single submitter. Criteria: ACMG Guidelines, 2015. Collection method: clinical testing. Allele origin: germline. Inheritance: Autosomal dominant inheritance. Observed: 1 variant allele, 1 heterozygote.
Comment: This study involves interpretation of variants in research participants for the purpose of population health screening. Participant phenotype was not available at the time of variant classification. Additional details can be found in publication PMID: 35346344, PMCID: PMC8962531

NM_000238.4(KCNH2):c.2325G>C (p.Leu775=)

Gene: KCNH2 (potassium voltage-gated channel subfamily H member 2; minus strand). Cytogenetic location: 7q36.1.
Variant type: single nucleotide variant.
Coding change: c.2325G>C on transcript NM_000238.4 (MANE Select); coding-DNA position 2325, G replaced by C.
Protein change: p.Leu775=; no amino-acid change (leucine 775 retained).
Molecular consequence: synonymous variant. On other transcripts: non-coding transcript variant (2).
Genome position (GRCh38, 1-based): chr7:150,950,241, C>G on the plus strand (G>C on the coding strand, the complement: KCNH2 is on the minus strand). VCF-style: chr7-150950241-C-G. GRCh37 (hg19) VCF-style: chr7-150647329-C-G.
Other names: c.1305G>C, p.Leu435= (NM_001204798.2, NM_172057.3); c.2037G>C, p.Leu679= (NM_001406753.1, NM_001406756.1); c.2148G>C, p.Leu716= (NM_001406755.1); c.2025G>C, p.Leu675= (NM_001406757.1); c.2325G>C, p.Leu775= (NM_172056.3).
Identifiers: ClinVar variation 743285 (VCV000743285.10), dbSNP rs772751748, ClinGen allele CA031612.